The following is an entry in ClinVar:

NM_005560.6(LAMA5):c.10255C>G (p.Arg3419Gly)

Gene: LAMA5 (laminin subunit alpha 5; minus strand). Cytogenetic location: 20q13.33.
Variant type: single nucleotide variant.
Coding change: c.10255C>G on transcript NM_005560.6 (MANE Select); coding-DNA position 10255, C replaced by G.
Protein change: p.Arg3419Gly; replaces arginine 3419 with glycine.
Molecular consequence: missense variant.
Genome position (GRCh38, 1-based): chr20:62,310,928, G>C on the plus strand (C>G on the coding strand, the complement: LAMA5 is on the minus strand). VCF-style: chr20-62310928-G-C. GRCh37 (hg19) VCF-style: chr20-60885984-G-C.
Other names: short protein forms R3419G.
Identifiers: ClinVar variation 3356310 (VCV003356310.1).

ClinVar aggregate classification (germline): Uncertain significance (0 of 4 stars; one submission).

Conditions:
LAMA5-related disorder. Also called: LAMA5-related condition; LAMA5-Related Disorders.

gnomAD v4.1: 5 of 1,610,646 alleles (0.00031%); highest among the groups gnomAD compares: Non-Finnish European, 0.00042%; no homozygotes.

Submission:

PreventionGenetics, part of Exact Sciences
Classification: Uncertain significance for LAMA5-related condition. Last evaluated: 2024-05-07. Review status: no assertion criteria provided. Collection method: clinical testing. Allele origin: germline.
Comment: The LAMA5 c.10255C>G variant is predicted to result in the amino acid substitution p.Arg3419Gly. To our knowledge, this variant has not been reported in the literature. This variant is reported in 0.0038% of alleles in individuals of European (Non-Finnish) descent in gnomAD. At this time, the clinical significance of this variant is uncertain due to the absence of conclusive functional and genetic evidence.